The following is an entry in ClinVar:

NM_001243279.3(ACSF3):c.11A>G (p.His4Arg)

Gene: ACSF3 (acyl-CoA synthetase family member 3; plus strand). Cytogenetic location: 16q24.3.
Variant type: single nucleotide variant.
Coding change: c.11A>G on transcript NM_001243279.3 (MANE Select); coding-DNA position 11, A replaced by G.
Protein change: p.His4Arg; replaces histidine 4 with arginine.
Molecular consequence: missense variant. On other transcripts: non-coding transcript variant (3), intron variant (1).
Genome position (GRCh38, 1-based): chr16:89,100,692, A>G. VCF-style: chr16-89100692-A-G. GRCh37 (hg19) VCF-style: chr16-89167100-A-G.
Other names: c.11A>G, p.His4Arg (NM_001127214.4, NM_174917.5); c.-129-1912A>G (NM_001284316.2); c.11A>G (NM_174917.3); short protein forms H4R.
Identifiers: ClinVar variation 2165712 (VCV002165712.2), dbSNP rs1255089115, ClinGen allele CA397133259.
Genomic context (GRCh38, chr16:89,100,692, plus strand): 5'-ACTCACGTCCTGTGCCTTGCCTTTCTCCAGCTCGGCCGCCTGTCAGTGCAATGCTGCCCC[A>G]TGTGGTGCTCACCTTCCGGCGCCTGGGCTGCGCCTTGGCGTCCTGCCGGCTGGCGCCTGC-3'
Protein context (NP_001230208.1, residues 1-14): MLP[His4Arg]VVLTFRRLGC

ClinVar aggregate classification (germline): Uncertain significance. Review status: criteria provided, multiple submitters, no conflicts (2 of 4 stars). 2 submissions from 2 submitters: Uncertain significance (2). Last evaluated 2025-12-11.

Conditions:
Inborn genetic diseases. Identifiers: MedGen C0950123, MeSH D030342.
Combined malonic and methylmalonic acidemia. Identifiers: Orphanet 289504, MedGen C3280314, MONDO:0013661, OMIM 614265.

Allele frequency attached by ClinVar (database versions not stated): gnomAD 0.00004; TOPMed below 0.00001.
gnomAD v4.1: 5 of 1,531,068 alleles (0.00033%); highest among the groups gnomAD compares: Admixed American, 0.0057%; no homozygotes.

Submissions (2):

Ambry Genetics
Classification: Uncertain significance for Inborn genetic diseases. Last evaluated: 2025-12-11. Review status: criteria provided, single submitter. Criteria: Ambry Variant Classification Scheme 2023. Collection method: clinical testing. Allele origin: germline.

Labcorp Genetics (formerly Invitae), Labcorp
Classification: Uncertain significance for Combined malonic and methylmalonic acidemia. Last evaluated: 2022-02-11. Review status: criteria provided, single submitter. Criteria: Invitae Variant Classification Sherloc (09022015). Collection method: clinical testing. Allele origin: germline.
Comment: This sequence change replaces histidine, which is basic and polar, with arginine, which is basic and polar, at codon 4 of the ACSF3 protein (p.His4Arg). This variant is not present in population databases (gnomAD no frequency). This variant has not been reported in the literature in individuals affected with ACSF3-related conditions. Algorithms developed to predict the effect of missense changes on protein structure and function output the following: SIFT: "Tolerated"; PolyPhen-2: "Benign"; Align-GVGD: "Class C0". The arginine amino acid residue is found in multiple mammalian species, which suggests that this missense change does not adversely affect protein function. In summary, the available evidence is currently insufficient to determine the role of this variant in disease. Therefore, it has been classified as a Variant of Uncertain Significance.